The following is an entry in ClinVar:

NM_003073.5(SMARCB1):c.733A>G (p.Ile245Val)

Gene: SMARCB1 (SWI/SNF related BAF chromatin remodeling complex subunit B1; plus strand). Cytogenetic location: 22q11.23.
Variant type: single nucleotide variant.
Coding change: c.733A>G on transcript NM_003073.5 (MANE Select); coding-DNA position 733, A replaced by G.
Protein change: p.Ile245Val; replaces isoleucine 245 with valine.
Molecular consequence: missense variant.
Genome position (GRCh38, 1-based): chr22:23,816,874, A>G. VCF-style: chr22-23816874-A-G. GRCh37 (hg19) VCF-style: chr22-24159061-A-G.
Other names: c.706A>G, p.Ile236Val (NM_001007468.3); c.760A>G, p.Ile254Val (NM_001317946.2); c.787A>G, p.Ile263Val (NM_001362877.2); short protein forms I245V, I254V, I263V, I236V.
Identifiers: ClinVar variation 1758399 (VCV001758399.2), dbSNP rs2146010109, ClinGen allele CA410901563.

ClinVar aggregate classification (germline): Uncertain significance (1 of 4 stars; one submission).

Conditions:
Hereditary cancer-predisposing syndrome. Also called: Neoplastic Syndromes, Hereditary; Tumor predisposition; Hereditary Cancer Syndrome; Hereditary neoplastic syndrome. Identifiers: Orphanet 140162, MedGen C0027672, MeSH D009386, MONDO:0015356.

Submission:

Ambry Genetics
Classification: Uncertain significance for Hereditary cancer-predisposing syndrome. Last evaluated: 2022-07-21. Review status: criteria provided, single submitter. Criteria: Ambry Variant Classification Scheme 2023. Collection method: clinical testing. Allele origin: germline.
Comment: The p.I245V variant (also known as c.733A>G), located in coding exon 6 of the SMARCB1 gene, results from an A to G substitution at nucleotide position 733. The isoleucine at codon 245 is replaced by valine, an amino acid with highly similar properties. This amino acid position is highly conserved in available vertebrate species. In addition, the in silico prediction for this alteration is inconclusive. Since supporting evidence is limited at this time, the clinical significance of this alteration remains unclear.